The following is an entry in ClinVar:

ClinVar aggregate classification (germline): Pathogenic (1 of 4 stars; one submission).

Submission:

Labcorp Genetics (formerly Invitae), Labcorp
Classification: Pathogenic. Last evaluated: 2022-11-01. Review status: criteria provided, single submitter. Criteria: Invitae Variant Classification Sherloc (09022015). Collection method: clinical testing. Allele origin: germline.
Comment: For these reasons, this variant has been classified as Pathogenic. This variant has not been reported in the literature in individuals affected with CNGB3-related conditions. This variant is not present in population databases (gnomAD no frequency). This sequence change creates a premature translational stop signal (p.Lys137*) in the CNGB3 gene. It is expected to result in an absent or disrupted protein product. Loss-of-function variants in CNGB3 are known to be pathogenic (PMID: 28795510).

Literature cited by the submitters: PubMed 28795510.

NM_019098.5(CNGB3):c.409A>T (p.Lys137Ter)

Gene: CNGB3 (cyclic nucleotide gated channel subunit beta 3; minus strand). Cytogenetic location: 8q21.3.
Variant type: single nucleotide variant.
Coding change: c.409A>T on transcript NM_019098.5 (MANE Select); coding-DNA position 409, A replaced by T.
Protein change: p.Lys137Ter; replaces lysine 137 with a stop codon.
Molecular consequence: nonsense.
Genome position (GRCh38, 1-based): chr8:86,671,028, T>A on the plus strand (A>T on the coding strand, the complement: CNGB3 is on the minus strand). VCF-style: chr8-86671028-T-A. GRCh37 (hg19) VCF-style: chr8-87683256-T-A.
Other names: short protein forms K137*.
Identifiers: ClinVar variation 2811316 (VCV002811316.3), dbSNP rs2538129724, ClinGen allele CA371450206.
Genomic context (GRCh38, chr8:86,671,028, plus strand): 5'-AGGAGAGATCTCCCTCTACCAACTTTTTCTTGTAGAGGGCTGTTCTTTGACGCATTCTTT[T>A]CACCAGGTTGTGTAGCTGGGCATCGGCATACTCATTTATAACAGGAGCTGCAGGCGGTTT-3'